The following is an entry in ClinVar:

ClinVar aggregate classification (germline): Uncertain significance. Review status: criteria provided, single submitter (1 of 4 stars). 2 submissions from 2 submitters: Uncertain significance (1). 1 of the submissions does not count toward it. Last evaluated 2022-11-19.

Conditions:
Nephrogenic diabetes insipidus. Identifiers: Orphanet 223, MedGen C0162283, MONDO:0016383, HP:0009806.

Allele frequency attached by ClinVar (database versions not stated): gnomAD exomes 0.00001; gnomAD 0.00004.
gnomAD v4.1: 18 of 1,203,175 alleles (0.0015%); highest among the groups gnomAD compares: African/African-American, 0.0035%; no homozygotes.

Submissions (2):

Women's Health and Genetics/Laboratory Corporation of America, LabCorp
Classification: Uncertain significance. Last evaluated: 2022-11-19. Review status: criteria provided, single submitter. Criteria: LabCorp Variant Classification Summary - May 2015. Collection method: clinical testing. Allele origin: germline.
Comment: Variant summary: AVPR2 c.427C>T (p.Arg143Cys) results in a non-conservative amino acid change located in the GPCR, rhodopsin-like, 7TM domain (IPR017452) of the encoded protein sequence. Three of five in-silico tools predict a benign effect of the variant on protein function. The variant allele was found at a frequency of 5.7e-06 in 176700 control chromosomes. The available data on variant occurrences in the general population are insufficient to allow any conclusion about variant significance. c.427C>T has been reported in the literature as a homozygous genotype along with another variant in at-least one individual affected with Nephrogenic Diabetes Insipidus (example, Mori_2017). These report(s) do not provide unequivocal conclusions about association of the variant with Nephrogenic Diabetes Insipidus. To our knowledge, no experimental evidence demonstrating an impact on protein function has been reported. No clinical diagnostic laboratories have submitted clinical-significance assessments for this variant to ClinVar after 2014. Based on the evidence outlined above, the variant was classified as uncertain significance.

Molecular Genetics, Labor Dr. Heidrich & Kollegen MVZ GmbH
Classification: Uncertain significance for Diabetes insipidus, nephrogenic. Last evaluated: 2025-04-17. Review status: no assertion criteria provided. Collection method: clinical testing. Allele origin: germline. Affected: yes. Not counted in ClinVar's aggregate classification.

Literature cited by the submitters: PubMed 26920127 (cited by Women's Health and Genetics/Laboratory Corporation of America, LabCorp); PubMed 33996673 (cited by Women's Health and Genetics/Laboratory Corporation of America, LabCorp).

NM_000054.7(AVPR2):c.427C>T (p.Arg143Cys)

Gene: AVPR2 (arginine vasopressin receptor 2; plus strand). Cytogenetic location: Xq28.
Variant type: single nucleotide variant.
Coding change: c.427C>T on transcript NM_000054.7 (MANE Select); coding-DNA position 427, C replaced by T.
Protein change: p.Arg143Cys; replaces arginine 143 with cysteine.
Molecular consequence: missense variant.
Genome position (GRCh38, 1-based): chrX:153,905,933, C>T. VCF-style: chrX-153905933-C-T. GRCh37 (hg19) VCF-style: chrX-153171387-C-T.
Other names: c.427C>T, p.Arg143Cys (NM_001146151.3); short protein forms R143C.
Identifiers: ClinVar variation 1804775 (VCV001804775.2), dbSNP rs1450278600, ClinGen allele CA415105925.